The following is an entry in ClinVar:

NM_002386.4(MC1R):c.141C>A (p.Ser47Arg)

Gene: MC1R (melanocortin 1 receptor; plus strand). Cytogenetic location: 16q24.3.
Variant type: single nucleotide variant.
Coding change: c.141C>A on transcript NM_002386.4 (MANE Select); coding-DNA position 141, C replaced by A.
Protein change: p.Ser47Arg; replaces serine 47 with arginine.
Molecular consequence: missense variant.
Genome position (GRCh38, 1-based): chr16:89,919,399, C>A. VCF-style: chr16-89919399-C-A. GRCh37 (hg19) VCF-style: chr16-89985807-C-A.
Other names: short protein forms S47R.
Identifiers: ClinVar variation 4052434 (VCV004052434.1).

ClinVar aggregate classification (germline): Uncertain significance (1 of 4 stars; one submission).

Submission:

Ambry Genetics
Classification: Uncertain significance. Last evaluated: 2025-05-17. Review status: criteria provided, single submitter. Criteria: Ambry Variant Classification Scheme 2023. Collection method: clinical testing. Allele origin: germline.
Comment: The p.S47R variant (also known as c.141C>A), located in coding exon 1 of the MC1R gene, results from a C to A substitution at nucleotide position 141. The serine at codon 47 is replaced by arginine, an amino acid with dissimilar properties. This amino acid position is conserved. In addition, this alteration is predicted to be tolerated by in silico analysis. Based on the available evidence, the clinical significance of this variant remains unclear.